The following is an entry in ClinVar:

ClinVar aggregate classification (germline): Uncertain significance (1 of 4 stars; one submission).

gnomAD v4.1: 6 of 1,370,724 alleles (0.00044%); highest among the groups gnomAD compares: Non-Finnish European, 0.00056%; no homozygotes.

Submission:

Labcorp Genetics (formerly Invitae), Labcorp
Classification: Uncertain significance. Last evaluated: 2025-03-23. Review status: criteria provided, single submitter. Criteria: Invitae Variant Classification Sherloc (09022015). Collection method: clinical testing. Allele origin: germline.
Comment: This sequence change replaces asparagine, which is neutral and polar, with lysine, which is basic and polar, at codon 114 of the ARID1A protein (p.Asn114Lys). This variant is not present in population databases (gnomAD no frequency). This variant has not been reported in the literature in individuals affected with ARID1A-related conditions. Invitae Evidence Modeling of protein sequence and biophysical properties (such as structural, functional, and spatial information, amino acid conservation, physicochemical variation, residue mobility, and thermodynamic stability) indicates that this missense variant is not expected to disrupt ARID1A protein function with a negative predictive value of 95%. In summary, the available evidence is currently insufficient to determine the role of this variant in disease. Therefore, it has been classified as a Variant of Uncertain Significance.

NM_006015.6(ARID1A):c.342C>G (p.Asn114Lys)

Gene: ARID1A (AT-rich interaction domain 1A; plus strand). Cytogenetic location: 1p36.11.
Variant type: single nucleotide variant.
Coding change: c.342C>G on transcript NM_006015.6 (MANE Select); coding-DNA position 342, C replaced by G.
Protein change: p.Asn114Lys; replaces asparagine 114 with lysine.
Molecular consequence: missense variant.
Genome position (GRCh38, 1-based): chr1:26,696,745, C>G. VCF-style: chr1-26696745-C-G. GRCh37 (hg19) VCF-style: chr1-27023236-C-G.
Other names: c.342C>G, p.Asn114Lys (NM_139135.4); short protein forms N114K.
Identifiers: ClinVar variation 4690815 (VCV004690815.1).